The following is an entry in ClinVar:

ClinVar aggregate classification (germline): Pathogenic/Likely pathogenic. Review status: criteria provided, multiple submitters, no conflicts (2 of 4 stars). 4 submissions from 4 submitters: Pathogenic (1); Likely pathogenic (3). Last evaluated 2024-06-07.

Conditions:
Mucopolysaccharidosis, MPS-II (MPS2). Also called: Mucopolysaccharidosis type 2; Hunter Syndrome; IDURONATE 2-SULFATASE DEFICIENCY; Mucopolysaccharidosis Type II; IDS deficiency; Sulfoiduronate sulfatase deficiency. Identifiers: Orphanet 580, Orphanet 79388, MedGen C0026705, MONDO:0010674, OMIM 309900.

Submissions (4):

Laboratory of Diagnosis and Therapy of Lysosomal Disorders, University of Padova
Classification: Likely pathogenic for Mucopolysaccharidosis, MPS-II. Last evaluated: 2024-06-07. Review status: criteria provided, single submitter. Criteria: ACMG Guidelines, 2015. Collection method: literature only. Allele origin: germline. Affected: yes. Observed: 3 variant alleles.
Comment: Absent from controls (or at low frequency) in gnomAD database (PM2_Moderate), Missense variant in a gene with a low rate of benign missense variation (PP2_Supporting), Multiple lines of computational evidence support a deleterious effect (PP3_Supporting), Patient’s phenotype or family history highly specific for the disease (PP4_Moderate)

Classification method: ACMG Guidelines [PMID:25741868] with modifications

Genome-Nilou Lab
Classification: Likely pathogenic for Mucopolysaccharidosis, MPS-II. Last evaluated: 2021-09-05. Review status: criteria provided, single submitter. Criteria: ACMG Guidelines, 2015. Collection method: clinical testing. Allele origin: germline. Affected: no.

Foundation for Research in Genetics and Endocrinology, FRIGE's Institute of Human Genetics
Classification: Pathogenic for Mucopolysaccharidosis, MPS-II. Last evaluated: 2021-03-18. Review status: criteria provided, single submitter. Criteria: ACMG Guidelines, 2015. Collection method: clinical testing. Allele origin: germline. Inheritance: X-linked recessive inheritance. Affected: yes. Observed: 1 variant allele, 1 hemizygote.
Comment: A hemizygous missense variation in exon 5 of the IDS gene that results in the amino acid substitution of Arginine for Proline at codon 231 was detected. The observed variant c.692C>G (p.Pro231Arg) has not been reported in the 1000 genomes and ExAC databases. The in silico prediction of the variant is damaging by PROVEAN, SIFT, MutPred and MutationTaster2. The reference codon is conserved across species. In summary, the variant meets our criteria to be classified as pathogenic.

Department of Medical Genetics, Sanjay Gandhi Post Graduate Institute of Medical Sciences
Classification: Likely pathogenic for Mucopolysaccharidosis, MPS-II. Review status: criteria provided, single submitter. Criteria: ACMG Guidelines, 2015. Collection method: clinical testing. Allele origin: germline. Inheritance: X-linked recessive inheritance. Affected: yes. Observed: 1 variant allele, 1 hemizygote.

Literature cited by the submitters: PubMed 35144014 (cited by Laboratory of Diagnosis and Therapy of Lysosomal Disorders, University of Padova); PubMed 29671225 (cited by Laboratory of Diagnosis and Therapy of Lysosomal Disorders, University of Padova).

NM_000202.8(IDS):c.692C>G (p.Pro231Arg)

Genes: IDS (iduronate 2-sulfatase; minus strand), LOC106050102 (IDS recombination region; plus strand). Cytogenetic location: Xq28.
Variant type: single nucleotide variant.
Coding change: c.692C>G on transcript NM_000202.8 (MANE Select); coding-DNA position 692, C replaced by G.
Protein change: p.Pro231Arg; replaces proline 231 with arginine.
Molecular consequence: missense variant. On other transcripts: non-coding transcript variant (1).
Genome position (GRCh38, 1-based): chrX:149,498,123, G>C on the plus strand (C>G on the coding strand, the complement: IDS is on the minus strand). VCF-style: chrX-149498123-G-C. GRCh37 (hg19) VCF-style: chrX-148579654-G-C.
Other names: c.422C>G, p.Pro141Arg (NM_001166550.4); c.692C>G, p.Pro231Arg (NM_006123.5); short protein forms P141R, P231R.
Identifiers: ClinVar variation 996936 (VCV000996936.7), dbSNP rs2089450305, ClinGen allele CA414522162.